The following is an entry in ClinVar:

ClinVar aggregate classification (germline): Uncertain significance. Review status: criteria provided, multiple submitters, no conflicts (2 of 4 stars). 2 submissions from 2 submitters: Uncertain significance (2). Last evaluated 2026-05-17.

Conditions:
PLXNA1-related disorder. Also called: PLXNA1-related condition.

Allele frequency attached by ClinVar (database versions not stated): gnomAD 0.00001; gnomAD exomes 0.00001; TOPMed 0.00001.

Submissions (2):

PreventionGenetics, part of Exact Sciences
Classification: Uncertain significance for PLXNA1-related condition. Last evaluated: 2026-05-17. Review status: criteria provided, single submitter. Criteria: ACMG Guidelines, 2015. Collection method: clinical testing. Allele origin: germline.
Comment: The PLXNA1 c.719C>T variant is predicted to result in the amino acid substitution p.Pro240Leu. To our knowledge, this variant has not been reported in the literature. This variant is reported in 0.0029% of alleles in individuals of Latino descent in gnomAD. At this time, the clinical significance of this variant is uncertain due to the absence of conclusive functional and genetic evidence.

Ambry Genetics
Classification: Uncertain significance. Last evaluated: 2024-06-17. Review status: criteria provided, single submitter. Criteria: Ambry Variant Classification Scheme 2023. Collection method: clinical testing. Allele origin: germline.

NM_032242.4(PLXNA1):c.719C>T (p.Pro240Leu)

Gene: PLXNA1 (plexin A1; plus strand). Cytogenetic location: 3q21.3.
Variant type: single nucleotide variant.
Coding change: c.719C>T on transcript NM_032242.4 (MANE Select); coding-DNA position 719, C replaced by T.
Protein change: p.Pro240Leu; replaces proline 240 with leucine.
Molecular consequence: missense variant.
Genome position (GRCh38, 1-based): chr3:126,989,312, C>T. VCF-style: chr3-126989312-C-T. GRCh37 (hg19) VCF-style: chr3-126708155-C-T.
Other names: short protein forms P240L.
Identifiers: ClinVar variation 2635735 (VCV002635735.3), dbSNP rs1439327711, ClinGen allele CA354372128.